The following is an entry in ClinVar:

NM_000548.5(TSC2):c.1590C>A (p.Ile530=)

Gene: TSC2 (TSC complex subunit 2; plus strand). Cytogenetic location: 16p13.3.
Variant type: single nucleotide variant.
Coding change: c.1590C>A on transcript NM_000548.5 (MANE Select); coding-DNA position 1590, C replaced by A.
Protein change: p.Ile530=; no amino-acid change (isoleucine 530 retained).
Molecular consequence: synonymous variant. On other transcripts: 5 prime UTR variant (1), non-coding transcript variant (5).
Genome position (GRCh38, 1-based): chr16:2,064,418, C>A. VCF-style: chr16-2064418-C-A. GRCh37 (hg19) VCF-style: chr16-2114419-C-A.
Other names: c.1590C>A, p.Ile530= (NM_001077183.3, NM_001114382.3, NM_001363528.2 and 6 more transcripts); c.1479C>A, p.Ile493= (NM_001318827.2, NM_001406670.1, NM_001406678.1); c.1443C>A, p.Ile481= (NM_001318829.2, NM_001406675.1, NM_001406676.1 and 1 more transcripts); c.990C>A, p.Ile330= (NM_001318831.2, NM_001406680.1, NM_001406682.1 and 6 more transcripts); c.1623C>A, p.Ile541= (NM_001318832.2); c.1680C>A, p.Ile560= (NM_001406667.1, NM_001406668.1); c.1578C>A, p.Ile526= (NM_001406671.1, NM_001406673.1); c.1533C>A, p.Ile511= (NM_001406677.1); and 3 more.
Identifiers: ClinVar variation 2816651 (VCV002816651.5), dbSNP rs2151191998, ClinGen allele CA492963176.

ClinVar aggregate classification (germline): Benign/Likely benign. Review status: criteria provided, multiple submitters, no conflicts (2 of 4 stars). 3 submissions from 3 submitters: Benign (1); Likely benign (2). Last evaluated 2026-02-06.

Conditions:
Tuberous sclerosis 2 (TSC2). Identifiers: Orphanet 805, MedGen C1860707, MONDO:0013199, OMIM 613254.
Hereditary cancer-predisposing syndrome. Also called: Tumor predisposition; Neoplastic Syndromes, Hereditary; Hereditary Cancer Syndrome; Hereditary neoplastic syndrome. Identifiers: Orphanet 140162, MedGen C0027672, MeSH D009386, MONDO:0015356.

gnomAD v4.1: 1 of 1,613,582 alleles (0.000062%); highest among the groups gnomAD compares: Non-Finnish European, 0.000085%; no homozygotes.

Submissions (3):

Ambry Genetics
Classification: Likely benign for Hereditary cancer-predisposing syndrome. Last evaluated: 2026-02-06. Review status: criteria provided, single submitter. Criteria: Ambry Variant Classification Scheme 2023. Collection method: clinical testing. Allele origin: germline.

Labcorp Genetics (formerly Invitae), Labcorp
Classification: Likely benign for Tuberous sclerosis 2. Last evaluated: 2025-09-10. Review status: criteria provided, single submitter. Criteria: Invitae Variant Classification Sherloc (09022015). Collection method: clinical testing. Allele origin: germline.

Myriad Genetics, Inc.
Classification: Benign for Tuberous sclerosis 2. Last evaluated: 2025-05-14. Review status: criteria provided, single submitter. Criteria: Myriad Autosomal Dominant, Autosomal Recessive and X-Linked Classification Criteria (2023). Collection method: clinical testing. Allele origin: unknown.
Comment: This variant is considered benign. This variant is a silent/synonymous amino acid change and it is not expected to impact splicing.